The following is an entry in ClinVar:

NM_000458.4(HNF1B):c.1373T>G (p.Val458Gly)

Gene: HNF1B (HNF1 homeobox B; minus strand). Cytogenetic location: 17q12.
Variant type: single nucleotide variant.
Coding change: c.1373T>G on transcript NM_000458.4 (MANE Select); coding-DNA position 1373, T replaced by G.
Protein change: p.Val458Gly; replaces valine 458 with glycine.
Molecular consequence: missense variant. On other transcripts: intron variant (1).
Genome position (GRCh38, 1-based): chr17:37,701,144, A>C on the plus strand (T>G on the coding strand, the complement: HNF1B is on the minus strand). VCF-style: chr17-37701144-A-C. GRCh37 (hg19) VCF-style: chr17-36061149-A-C.
Other names: c.1295T>G, p.Val432Gly (NM_001165923.4); c.1261+3773T>G (NM_001304286.2); short protein forms V458G, V432G.
Identifiers: ClinVar variation 549545 (VCV000549545.13), dbSNP rs375644184, ClinGen allele CA8518830.

ClinVar aggregate classification (germline): Conflicting classifications of pathogenicity. Review status: criteria provided, conflicting classifications (1 of 4 stars). 5 submissions from 5 submitters: Uncertain significance (2); Benign (2); Likely benign (1). Last evaluated 2025-07-01.

Conditions:
Renal cysts and diabetes syndrome (RCAD). Also called: MATURITY-ONSET DIABETES OF THE YOUNG, TYPE 5; Familial hypoplastic, glomerulocystic kidney. Identifiers: Orphanet 93111, MedGen C0431693, MONDO:0007669, OMIM 137920.
Monogenic diabetes. Identifiers: Orphanet 183625, MedGen C3888631, MONDO:0015967.
Maturity-onset diabetes of the young (MODY). Also called: Maturity onset diabetes mellitus in young. Identifiers: Orphanet 552, MedGen C0342276, MONDO:0018911, HP:0004904.

Allele frequency attached by ClinVar (database versions not stated): gnomAD 0.00002; gnomAD exomes 0.00002 and 0.00008; TOPMed 0.00003; ESP Exome Variant Server 0.00008; ExAC 0.00014.
gnomAD v4.1: 33 of 1,551,654 alleles (0.0021%); highest among the groups gnomAD compares: Non-Finnish European, 0.000087%; 1 homozygote.

Submissions (5):

Labcorp Genetics (formerly Invitae), Labcorp
Classification: Benign. Last evaluated: 2025-07-01. Review status: criteria provided, single submitter. Criteria: Invitae Variant Classification Sherloc (09022015). Collection method: clinical testing. Allele origin: germline.

GeneDx
Classification: Uncertain significance. Last evaluated: 2020-04-03. Review status: criteria provided, single submitter. Criteria: GeneDx Variant Classification Process June 2021. Collection method: clinical testing. Allele origin: germline. Affected: yes.
Comment: In silico analysis supports that this missense variant has a deleterious effect on protein structure/function; Has not been previously published as pathogenic or benign to our knowledge

Personalized Diabetes Medicine Program, University of Maryland School of Medicine
Classification: Uncertain significance for Monogenic diabetes. Last evaluated: 2019-02-15. Review status: criteria provided, single submitter. Criteria: ACMG Guidelines, 2015. Collection method: research. Allele origin: unknown. Observed: 1 variant allele, 1 heterozygote.
Comment: ACMG criteria: PP3 (REVEL 0.918 + 8 predictors)=VUS

Illumina Laboratory Services, Illumina
Classification: Benign for Renal cysts and diabetes syndrome. Last evaluated: 2018-01-13. Review status: criteria provided, single submitter. Criteria: ICSL Variant Classification Criteria 13 December 2019. Collection method: clinical testing. Allele origin: germline.
Comment: This variant was observed in the ICSL laboratory as part of a predisposition screen in an ostensibly healthy population. It had not been previously curated by ICSL or reported in the Human Gene Mutation Database (HGMD: prior to June 1st, 2018), and was therefore a candidate for classification through an automated scoring system. Utilizing variant allele frequency, disease prevalence and penetrance estimates, and inheritance mode, an automated score was calculated to assess if this variant is too frequent to cause the disease. Based on the score and internal cut-off values, a variant classified as benign is not then subjected to further curation. The score for this variant resulted in a classification of benign for this disease.

Clinical Genomics, Uppaluri K&H Personalized Medicine Clinic
Classification: Likely benign for Maturity-onset diabetes of the young. Review status: criteria provided, single submitter. Criteria: K & H Uppaluri Personalized Medicine Clinic Variant Classification & Assertion Criteria_Updated V.1. Collection method: research. Allele origin: unknown. Inheritance: Autosomal dominant inheritance.
Comment: HNF1B gene mutations are associated with early onset diabetes and pancreatic atrophy. It is also associated with multiple renal manifestations including renal cysts, Tubulointerstitial disease, glomerulocystic disease, renal hypoplasia, hypomagnesemia. However no sufficient evidence is found to ascertain the role of this particular variant rs375644184, yet.

Literature cited by the submitters: PubMed 24897035 (cited by Clinical Genomics, Uppaluri K&H Personalized Medicine Clinic); PubMed 25536396 (cited by Clinical Genomics, Uppaluri K&H Personalized Medicine Clinic); PubMed 27615128 (cited by Clinical Genomics, Uppaluri K&H Personalized Medicine Clinic); PubMed 28215227 (cited by Clinical Genomics, Uppaluri K&H Personalized Medicine Clinic); PubMed 33434175 (cited by Clinical Genomics, Uppaluri K&H Personalized Medicine Clinic); PubMed 25741167 (cited by Clinical Genomics, Uppaluri K&H Personalized Medicine Clinic); PubMed 26340261 (cited by Clinical Genomics, Uppaluri K&H Personalized Medicine Clinic); PubMed 19639018 (cited by Clinical Genomics, Uppaluri K&H Personalized Medicine Clinic).